The following is an entry in ClinVar:

NM_001356.5(DDX3X):c.509C>T (p.Ala170Val)

Gene: DDX3X (DEAD-box helicase 3 X-linked; plus strand). Cytogenetic location: Xp11.4.
Variant type: single nucleotide variant.
Coding change: c.509C>T on transcript NM_001356.5 (MANE Select); coding-DNA position 509, C replaced by T.
Protein change: p.Ala170Val; replaces alanine 170 with valine.
Molecular consequence: missense variant. On other transcripts: 5 prime UTR variant (1), non-coding transcript variant (1).
Genome position (GRCh38, 1-based): chrX:41,342,802, C>T. VCF-style: chrX-41342802-C-T. GRCh37 (hg19) VCF-style: chrX-41202055-C-T.
Other names: c.509C>T, p.Ala170Val (NM_001193416.3); c.461C>T, p.Ala154Val (NM_001193417.3); c.-50C>T (NM_001363819.1); short protein forms A154V, A170V.
Identifiers: ClinVar variation 2073709 (VCV002073709.4), dbSNP rs2519509548, ClinGen allele CA412767281.
Genomic context (GRCh38, chrX:41,342,802, plus strand): 5'-TCTTTTCTGGAGGCAACACTGGGATTAATTTTGAGAAATACGATGACATTCCAGTTGAGG[C>T]AACAGGCAACAACTGTCCTCCACATATTGAAAGTGTGAGTATTTTTGCTTGACTTTTTAA-3'
Protein context (NP_001347.3, residues 160-180): FEKYDDIPVE[Ala170Val]TGNNCPPHIE

ClinVar aggregate classification (germline): Uncertain significance (1 of 4 stars; one submission).

Allele frequency attached by ClinVar (database versions not stated): gnomAD exomes below 0.00001.
gnomAD v4.1: 1 of 1,209,031 alleles (0.000083%); highest among the groups gnomAD compares: Non-Finnish European, 0.00011%; no homozygotes.

Submission:

Labcorp Genetics (formerly Invitae), Labcorp
Classification: Uncertain significance. Last evaluated: 2022-09-09. Review status: criteria provided, single submitter. Criteria: Invitae Variant Classification Sherloc (09022015). Collection method: clinical testing. Allele origin: germline.
Comment: This sequence change replaces alanine, which is neutral and non-polar, with valine, which is neutral and non-polar, at codon 170 of the DDX3X protein (p.Ala170Val). This variant is not present in population databases (gnomAD no frequency). This variant has not been reported in the literature in individuals affected with DDX3X-related conditions. Algorithms developed to predict the effect of missense changes on protein structure and function are either unavailable or do not agree on the potential impact of this missense change (SIFT: "Tolerated"; PolyPhen-2: "Not Available"; Align-GVGD: "Class C0"). In summary, the available evidence is currently insufficient to determine the role of this variant in disease. Therefore, it has been classified as a Variant of Uncertain Significance.